The following is an entry in ClinVar:

ClinVar aggregate classification (germline): Likely pathogenic (1 of 4 stars; one submission).

Conditions:
Metaphyseal chondrodysplasia, McKusick type (CHH). Also called: Cartilage-hair hypoplasia; Cartilage-Hair Hypoplasia (CHH). Identifiers: Orphanet 175, MedGen C0220748, MONDO:0009595, OMIM 250250.

Submission:

Women's Health and Genetics/Laboratory Corporation of America, LabCorp
Classification: Likely pathogenic for Metaphyseal chondrodysplasia, McKusick type. Last evaluated: 2020-01-24. Review status: criteria provided, single submitter. Criteria: LabCorp Variant Classification Summary - May 2015. Collection method: clinical testing. Allele origin: germline.
Comment: Variant summary: The RMRP n.-6_-5ins19 variant leads to insertion of 19 base pairs in between the TATA box (located at -33 to -25) and the transcription initiation site. Insertions or duplications between 6 and 30 nucleotides long residing in the region between the TATA box and the transcription initiation site have been widely reported in Cartilage-Hair Hypoplasia patients. These mutations interfere with the transcription of RMRP (Ridanpa_RMRP_Cell_2001 and Hermanns_RMPR_HMG_2005; PMIDs: 11207361, 16254002). Therefore, the variant of interest is very likely to cause the same effect. The variant was absent in 127922 control chromosomes (gnomAD). The variant of interest has not, to our knowledge, been reported in affected individuals in the literature nor evaluated for its functional impact by in vivo/vitro studies. Based on the nature and location of this variant and the variant spectrum known to be pathogenic in the literature, this variant is currently classified as a likely pathogenic.

NR_003051.3(RMRP):n.-6_-5insAACACTCTGTGAAGCTGAG

Gene: RMRP (RNA component of mitochondrial RNA processing endoribonuclease; minus strand). Cytogenetic location: 9p13.3.
Variant type: Insertion.
Genome position: GRCh38 VCF-style: chr9-35658023-C-CCTCAGCTTCACAGAGTGTT. GRCh37 (hg19) VCF-style: chr9-35658020-C-CCTCAGCTTCACAGAGTGTT.
Identifiers: ClinVar variation 917546 (VCV000917546.1), dbSNP rs1554651451, ClinGen allele CA1139660934.